The following is an entry in ClinVar:

ClinVar aggregate classification (germline): Benign (0 of 4 stars; one submission).

Conditions:
EEF1D-related disorder. Also called: EEF1D-related condition.

Allele frequency attached by ClinVar (database versions not stated): 1000 Genomes Project 30x 0.36555; 1000 Genomes Project 0.37400; TOPMed 0.44487; gnomAD 0.46189; ESP Exome Variant Server 0.47078; ExAC 0.51138; gnomAD exomes 0.58435.
gnomAD v4.1: 921,844 of 1,612,984 alleles (57%); highest among the groups gnomAD compares: Non-Finnish European, 63%; 275,017 homozygotes.

Submission:

PreventionGenetics, part of Exact Sciences
Classification: Benign for EEF1D-related condition. Last evaluated: 2019-10-17. Review status: no assertion criteria provided. Collection method: clinical testing. Allele origin: germline.
Comment: This variant is classified as benign based on ACMG/AMP sequence variant interpretation guidelines (Richards et al. 2015 PMID: 25741868, with internal and published modifications).

NM_001130053.5(EEF1D):c.1734C>T (p.Ala578=)

Gene: EEF1D (eukaryotic translation elongation factor 1 delta; minus strand). Cytogenetic location: 8q24.3.
Variant type: single nucleotide variant.
Coding change: c.1734C>T on transcript NM_001130053.5 (MANE Select); coding-DNA position 1734, C replaced by T.
Protein change: p.Ala578=; no amino-acid change (alanine 578 retained).
Molecular consequence: synonymous variant.
Genome position (GRCh38, 1-based): chr8:143,580,183, G>A on the plus strand (C>T on the coding strand, the complement: EEF1D is on the minus strand). VCF-style: chr8-143580183-G-A. GRCh37 (hg19) VCF-style: chr8-144662353-G-A.
Other names: c.636C>T, p.Ala212= (NM_001130055.4, NM_001130057.4, NM_001289950.4 and 1 more transcripts); c.564C>T, p.Ala188= (NM_001130056.5, NM_001317743.4, NM_001330646.3); c.579C>T, p.Ala193= (NM_001195203.4); c.1734C>T, p.Ala578= (NM_032378.7).
Identifiers: ClinVar variation 3060516 (VCV003060516.2), dbSNP rs1062391, ClinGen allele CA4913377.